The following is an entry in ClinVar:

ClinVar aggregate classification (germline): Uncertain significance (1 of 4 stars; one submission).

Allele frequency attached by ClinVar (database versions not stated): ExAC 0.00002.
gnomAD v4.1: 29 of 1,613,844 alleles (0.0018%); highest among the groups gnomAD compares: Admixed American, 0.0033%; no homozygotes.

Submission:

Labcorp Genetics (formerly Invitae), Labcorp
Classification: Uncertain significance. Last evaluated: 2022-03-26. Review status: criteria provided, single submitter. Criteria: Invitae Variant Classification Sherloc (09022015). Collection method: clinical testing. Allele origin: germline.
Comment: In summary, the available evidence is currently insufficient to determine the role of this variant in disease. Therefore, it has been classified as a Variant of Uncertain Significance. Algorithms developed to predict the effect of missense changes on protein structure and function output the following: SIFT: "Tolerated"; PolyPhen-2: "Benign"; Align-GVGD: "Class C0". The histidine amino acid residue is found in multiple mammalian species, which suggests that this missense change does not adversely affect protein function. This variant has not been reported in the literature in individuals affected with WHRN-related conditions. This variant is present in population databases (rs191854666, gnomAD 0.004%). This sequence change replaces arginine, which is basic and polar, with histidine, which is basic and polar, at codon 627 of the WHRN protein (p.Arg627His).

NM_015404.4(WHRN):c.1880G>A (p.Arg627His)

Gene: WHRN (whirlin; minus strand). Cytogenetic location: 9q32.
Variant type: single nucleotide variant.
Coding change: c.1880G>A on transcript NM_015404.4 (MANE Select); coding-DNA position 1880, G replaced by A.
Protein change: p.Arg627His; replaces arginine 627 with histidine.
Molecular consequence: missense variant.
Genome position (GRCh38, 1-based): chr9:114,406,711, C>T on the plus strand (G>A on the coding strand, the complement: WHRN is on the minus strand). VCF-style: chr9-114406711-C-T. GRCh37 (hg19) VCF-style: chr9-117168991-C-T.
Other names: c.731G>A, p.Arg244His (NM_001083885.3); c.1880G>A, p.Arg627His (NM_001173425.2); c.827G>A, p.Arg276His (NM_001346890.1); short protein forms R276H, R244H, R627H.
Identifiers: ClinVar variation 1950871 (VCV001950871.3), dbSNP rs191854666, ClinGen allele CA5205791.